The following is an entry in ClinVar:

NM_001387430.1(SH2B1):c.1898-203A>G

Gene: SH2B1 (SH2B adaptor protein 1; plus strand). Cytogenetic location: 16p11.2.
Variant type: single nucleotide variant.
Coding change: c.1898-203A>G on transcript NM_001387430.1 (MANE Select); 203 bases into the intron before coding-DNA position 1898, A replaced by G.
Molecular consequence: intron variant. On other transcripts: missense variant (4), synonymous variant (1).
Genome position (GRCh38, 1-based): chr16:28,873,244, A>G. VCF-style: chr16-28873244-A-G. GRCh37 (hg19) VCF-style: chr16-28884565-A-G.
Other names: c.1972A>G, p.Met658Val (NM_001145796.2, NM_001145812.2, NM_015503.3); c.2025A>G, p.Ser675= (NM_001145797.2); c.964A>G, p.Met322Val (NM_001308294.2); c.1898-203A>G (NM_001308293.2, NM_001387404.1, NM_001145795.2); short protein forms M658V, M322V.
Identifiers: ClinVar variation 4999427 (VCV004999427.1).

ClinVar aggregate classification (germline): Uncertain significance (1 of 4 stars; one submission).

Conditions:
SH2B1-related disorder. Also called: SH2B1-related condition.

gnomAD v4.1: 1 of 1,607,728 alleles (0.000062%); no homozygotes.

Submission:

PreventionGenetics, part of Exact Sciences
Classification: Uncertain significance for SH2B1-related condition. Last evaluated: 2025-03-05. Review status: criteria provided, single submitter. Criteria: ACMG Guidelines, 2015. Collection method: clinical testing. Allele origin: germline.
Comment: The SH2B1 c.1972A>G variant is predicted to result in the amino acid substitution p.Met658Val. To our knowledge, this variant has not been reported in the literature or in a large population database (gnomAD), indicating this variant is rare. At this time, the clinical significance of this variant is uncertain due to the absence of conclusive functional and genetic evidence.